The following is an entry in ClinVar:

NM_001199107.2(TBC1D24):c.1302+134C>T

Gene: TBC1D24 (TBC1 domain family member 24; plus strand). Cytogenetic location: 16p13.3.
Variant type: single nucleotide variant.
Coding change: c.1302+134C>T on transcript NM_001199107.2 (MANE Select); 134 bases into the intron after coding-DNA position 1302, C replaced by T.
Molecular consequence: intron variant.
Genome position (GRCh38, 1-based): chr16:2,500,064, C>T. VCF-style: chr16-2500064-C-T. GRCh37 (hg19) VCF-style: chr16-2550065-C-T.
Other names: c.1284+134C>T (NM_020705.3).
Identifiers: ClinVar variation 677404 (VCV000677404.2), dbSNP rs9939052, ClinGen allele CA276809976.

ClinVar aggregate classification (germline): Benign. Review status: criteria provided, multiple submitters, no conflicts (2 of 4 stars). 2 submissions from 2 submitters: Benign (2). Last evaluated 2018-06-14.

Allele frequency attached by ClinVar (database versions not stated): gnomAD exomes 0.00214; gnomAD 0.01984 and 0.02116; 1000 Genomes Project 0.02097; 1000 Genomes Project 30x 0.02108; TOPMed 0.02213.
gnomAD v4.1: 4,966 of 985,642 alleles (0.5%); highest among the groups gnomAD compares: African/African-American, 6.7%; 154 homozygotes.

Submissions (2):

GeneDx
Classification: Benign. Last evaluated: 2018-06-14. Review status: criteria provided, single submitter. Criteria: GeneDx Variant Classification (06012015). Collection method: clinical testing. Allele origin: germline. Affected: yes.
Comment: This variant is considered likely benign or benign based on one or more of the following criteria: it is a conservative change, it occurs at a poorly conserved position in the protein, it is predicted to be benign by multiple in silico algorithms, and/or has population frequency not consistent with disease.

Breakthrough Genomics
Classification: Benign. Review status: criteria provided, single submitter. Criteria: ACMG Guidelines, 2015. Collection method: not provided. Allele origin: germline. Inheritance: Autosomal recessive inheritance. Affected: yes.